The following is an entry in ClinVar:

NM_006231.4(POLE):c.802-2A>G

Gene: POLE (DNA polymerase epsilon, catalytic subunit; minus strand). Cytogenetic location: 12q24.33.
Variant type: single nucleotide variant.
Coding change: c.802-2A>G on transcript NM_006231.4 (MANE Select); the canonical splice acceptor site of the intron before coding-DNA position 802, A replaced by G.
Molecular consequence: splice acceptor variant.
Genome position (GRCh38, 1-based): chr12:132,676,655, T>C on the plus strand (A>G on the coding strand, the complement: POLE is on the minus strand). VCF-style: chr12-132676655-T-C. GRCh37 (hg19) VCF-style: chr12-133253241-T-C.
Other names: c.802-2A>G (NM_006231.2).
Identifiers: ClinVar variation 2758432 (VCV002758432.4), dbSNP rs2136016515, ClinGen allele CA387364393.
Genomic context (GRCh38, chr12:132,676,655, plus strand): 5'-TCAGGAAACTTGAGGGGCAGTTTGGTCGTCTCAATGTCAAATGCCAAAACCACAGGGTCC[T>C]GTGGGGACAAAATAAGCATAAAGCCAAGCTCTAAACTCCCCATTAGGCCTCCCTGAACAC-3'

ClinVar aggregate classification (germline): Conflicting classifications of pathogenicity. Review status: criteria provided, conflicting classifications (1 of 4 stars). 2 submissions from 2 submitters: Likely pathogenic (1); Uncertain significance (1). Last evaluated 2026-08-06.

Conditions:
Hereditary cancer-predisposing syndrome. Also called: Hereditary Cancer Syndrome; Hereditary neoplastic syndrome; Neoplastic Syndromes, Hereditary; Tumor predisposition. Identifiers: Orphanet 140162, MedGen C0027672, MeSH D009386, MONDO:0015356.

Submissions (2):

Ambry Genetics
Classification: Uncertain significance for Hereditary cancer-predisposing syndrome. Last evaluated: 2026-08-06. Review status: criteria provided, single submitter. Criteria: Ambry Variant Classification Scheme 2023. Collection method: clinical testing. Allele origin: germline.
Comment: The c.802-2A>G intronic variant results from an A to G substitution two nucleotides upstream from coding exon 9 in the POLE gene. Variants that disrupt the canonical splice site are expected to result in aberrant splicing. In silico splice site analysis predicts that this alteration will weaken the native splice acceptor site and may result in the creation or strengthening of a novel splice acceptor site. A resulting transcript is predicted to be in-frame and is not expected to trigger nonsense-mediated mRNAdecay; although, direct evidence is unavailable. This nucleotide position is highly conserved in available vertebrate species. Based on the available evidence, the clinical significance of this variant remains unclear.

Labcorp Genetics (formerly Invitae), Labcorp
Classification: Likely pathogenic. Last evaluated: 2023-09-06. Review status: criteria provided, single submitter. Criteria: Invitae Variant Classification Sherloc (09022015). Collection method: clinical testing. Allele origin: germline.
Comment: In summary, the currently available evidence indicates that the variant is pathogenic, but additional data are needed to prove that conclusively. Therefore, this variant has been classified as Likely Pathogenic. Algorithms developed to predict the effect of sequence changes on RNA splicing suggest that this variant may disrupt the consensus splice site. This variant has not been reported in the literature in individuals affected with POLE-related conditions. This variant is not present in population databases (gnomAD no frequency). This sequence change affects an acceptor splice site in intron 8 of the POLE gene. It is expected to disrupt RNA splicing. Variants that disrupt the donor or acceptor splice site typically lead to a loss of protein function (PMID: 16199547), and loss-of-function variants in POLE are known to be pathogenic (PMID: 23230001, 25948378, 30503519).

Literature cited by the submitters: PubMed 16199547 (cited by Labcorp Genetics (formerly Invitae), Labcorp); PubMed 23230001 (cited by Labcorp Genetics (formerly Invitae), Labcorp); PubMed 25948378 (cited by Labcorp Genetics (formerly Invitae), Labcorp); PubMed 30503519 (cited by Labcorp Genetics (formerly Invitae), Labcorp).